The following is an entry in ClinVar:

ClinVar aggregate classification (germline): Conflicting classifications of pathogenicity. Review status: criteria provided, conflicting classifications (1 of 4 stars). 7 submissions from 7 submitters: Uncertain significance (1); Likely benign (5). 1 of the submissions does not count toward it. Last evaluated 2026-01-01.

Conditions:
Hypogonadotropic hypogonadism 5 with or without anosmia (KAL5). Also called: HYPOGONADOTROPIC HYPOGONADISM 5 WITH ANOSMIA; HYPOGONADOTROPHIC HYPOGONADISM 5 WITHOUT ANOSMIA; CHD7-Related GnRH Deficiency (Kallmann Syndrome 5). Identifiers: Orphanet 478, MedGen C3552553, MONDO:0012880, OMIM 612370. Disease mechanism: loss of function.
CHARGE syndrome (CHARGE). Also called: Hittner Hirsch Kreh syndrome; CHARGE ASSOCIATION--COLOBOMA, HEART ANOMALY, CHOANAL ATRESIA, RETARDATION, GENITAL AND EAR ANOMALIES; Coloboma, heart anomaly, choanal atresia, retardation, genital and ear anomalies; CHARGE association; Hall-Hittner syndrome. Identifiers: Orphanet 138, MedGen C0265354, MONDO:0008965.
CHD7-related disorder. Also called: CHD7-related condition.
Inborn genetic diseases. Identifiers: MedGen C0950123, MeSH D030342.

Allele frequency attached by ClinVar (database versions not stated): ExAC 0.00004; gnomAD 0.00005 and 0.00006; gnomAD exomes 0.00005 and 0.00011; TOPMed 0.00009.
gnomAD v4.1: 162 of 1,610,882 alleles (0.01%); highest among the groups gnomAD compares: Admixed American, 0.022%; no homozygotes.

Submissions (7):

CeGaT Center for Human Genetics Tuebingen
Classification: Likely benign. Last evaluated: 2026-01-01. Review status: criteria provided, single submitter. Criteria: CeGaT Center For Human Genetics Tuebingen Variant Classification Criteria Version 2. Collection method: clinical testing. Allele origin: germline. Affected: yes. Observed: 1 variant allele.
Comment: CHD7: BS2

Labcorp Genetics (formerly Invitae), Labcorp
Classification: Likely benign for CHARGE syndrome. Last evaluated: 2025-12-03. Review status: criteria provided, single submitter. Criteria: Invitae Variant Classification Sherloc (09022015). Collection method: clinical testing. Allele origin: germline.

Ambry Genetics
Classification: Likely benign for Inborn genetic diseases. Last evaluated: 2023-11-03. Review status: criteria provided, single submitter. Criteria: Ambry Variant Classification Scheme 2023. Collection method: clinical testing. Allele origin: germline.

Fulgent Genetics
Classification: Likely benign for CHD7-related CHARGE syndrome; Hypogonadotropic hypogonadism 5 with or without anosmia. Last evaluated: 2022-01-05. Review status: criteria provided, single submitter. Criteria: ACMG Guidelines, 2015. Collection method: clinical testing. Allele origin: unknown.

Blueprint Genetics
Classification: Uncertain significance. Last evaluated: 2021-08-16. Review status: criteria provided, single submitter. Criteria: ACMG Guidelines, 2015. Collection method: clinical testing. Allele origin: germline.

GeneDx
Classification: Likely benign. Last evaluated: 2021-02-02. Review status: criteria provided, single submitter. Criteria: GeneDx Variant Classification Process June 2021. Collection method: clinical testing. Allele origin: germline. Affected: yes.
Comment: This variant is associated with the following publications: (PMID: 28991257)

PreventionGenetics, part of Exact Sciences
Classification: Likely benign for CHD7-related condition. Last evaluated: 2022-11-03. Review status: no assertion criteria provided. Collection method: clinical testing. Allele origin: germline. Not counted in ClinVar's aggregate classification.
Comment: This variant is classified as likely benign based on ACMG/AMP sequence variant interpretation guidelines (Richards et al. 2015 PMID: 25741868, with internal and published modifications).

NM_017780.4(CHD7):c.7863G>A (p.Gln2621=)

Gene: CHD7 (chromodomain helicase DNA binding protein 7; plus strand). Cytogenetic location: 8q12.2.
Variant type: single nucleotide variant.
Coding change: c.7863G>A on transcript NM_017780.4 (MANE Select); coding-DNA position 7863, G replaced by A.
Protein change: p.Gln2621=; no amino-acid change (glutamine 2621 retained).
Molecular consequence: synonymous variant. On other transcripts: splice acceptor variant (1).
Genome position (GRCh38, 1-based): chr8:60,862,228, G>A. VCF-style: chr8-60862228-G-A. GRCh37 (hg19) VCF-style: chr8-61774787-G-A.
Other names: c.1717-1G>A (NM_001316690.1); c.7863G>A (NM_017780.3).
Identifiers: ClinVar variation 1145989 (VCV001145989.20), dbSNP rs749381782, ClinGen allele CA4760914.